The following is an entry in ClinVar:

ClinVar aggregate classification (germline): Likely benign. Review status: criteria provided, multiple submitters, no conflicts (2 of 4 stars). 4 submissions from 4 submitters: Likely benign (3). 1 of the submissions does not count toward it. Last evaluated 2023-07-26.

Conditions:
Hereditary cancer-predisposing syndrome. Also called: Hereditary neoplastic syndrome; Hereditary Cancer Syndrome; Neoplastic Syndromes, Hereditary; Tumor predisposition. Identifiers: Orphanet 140162, MedGen C0027672, MeSH D009386, MONDO:0015356.
Fanconi anemia (FA). Also called: Fanconi's anemia. Identifiers: Orphanet 84, MedGen C0015625, MeSH D005199, MONDO:0019391.
Malignant tumor of breast. Also called: Malignant breast neoplasm; Cancer breast. Identifiers: MedGen C0006142, MONDO:0007254. Disease mechanism: loss of function.

Allele frequency attached by ClinVar (database versions not stated): gnomAD exomes below 0.00001; gnomAD 0.00001; TOPMed 0.00002.
gnomAD v4.1: 3 of 1,610,888 alleles (0.00019%); highest among the groups gnomAD compares: Non-Finnish European, 0.00025%; no homozygotes.

Submissions (4):

Ambry Genetics
Classification: Likely benign for Hereditary cancer-predisposing syndrome. Last evaluated: 2023-07-26. Review status: criteria provided, single submitter. Criteria: Ambry Variant Classification Scheme 2023. Collection method: clinical testing. Allele origin: germline.

Labcorp Genetics (formerly Invitae), Labcorp
Classification: Likely benign for Fanconi anemia. Last evaluated: 2023-05-26. Review status: criteria provided, single submitter. Criteria: Invitae Variant Classification Sherloc (09022015). Collection method: clinical testing. Allele origin: germline.

GeneDx
Classification: Likely benign. Last evaluated: 2018-02-05. Review status: criteria provided, single submitter. Criteria: GeneDx Variant Classification (06012015). Collection method: clinical testing. Allele origin: germline. Affected: yes.
Comment: This variant is considered likely benign or benign based on one or more of the following criteria: it is a conservative change, it occurs at a poorly conserved position in the protein, it is predicted to be benign by multiple in silico algorithms, and/or has population frequency not consistent with disease.

Department of Pathology and Laboratory Medicine, Sinai Health System
Classification: Uncertain significance for Malignant tumor of breast. Review status: no assertion criteria provided. Collection method: clinical testing. Allele origin: unknown. Affected: yes. Study: The Canadian Open Genetics Repository (COGR). Not counted in ClinVar's aggregate classification.
Comment: The FANCC p.Lys109= variant was not identified in the literature nor was it identified in the dbSNP, ClinVar, Cosmic, MutDB, or the LOVD 3.0 database. The variant was only identified in control databases in 1 of 245964 chromosomes at a frequency of 0.000004 (Genome Aggregation Database Feb 27, 2017). It was observed in the following population: European in 1 of 111520 chromosomes (freq: 0.00001); it was not observed in the African, Other, Latino, Ashkenazi Jewish, East Asian, Finnish, or South Asian populations. The p.Lys109= variant is not expected to have clinical significance because it does not result in a change of amino acid and is not located in a known consensus splice site. However, 1 of 5 in silico or computational prediction software programs (SpliceSiteFinder, MaxEntScan, NNSPLICE, GeneSplicer, HumanSpliceFinder) predict a greater than 10% difference in splicing. In summary, based on the above information, the clinical significance of this variant cannot be determined with certainty at this time. This variant is classified as a variant of uncertain significance.

NM_000136.3(FANCC):c.327A>G (p.Lys109=)

Gene: FANCC (FA complementation group C; minus strand). Cytogenetic location: 9q22.32.
Variant type: single nucleotide variant.
Coding change: c.327A>G on transcript NM_000136.3 (MANE Select); coding-DNA position 327, A replaced by G.
Protein change: p.Lys109=; no amino-acid change (lysine 109 retained).
Molecular consequence: synonymous variant.
Genome position (GRCh38, 1-based): chr9:95,240,667, T>C on the plus strand (A>G on the coding strand, the complement: FANCC is on the minus strand). VCF-style: chr9-95240667-T-C. GRCh37 (hg19) VCF-style: chr9-98002949-T-C.
Other names: c.327A>G, p.Lys109= (NM_001243743.2, NM_001243744.2).
Identifiers: ClinVar variation 507044 (VCV000507044.8), dbSNP rs1399574459, ClinGen allele CA466274245.